The following is an entry in ClinVar:

NM_015294.6(TRIM37):c.2576+5A>C

Gene: TRIM37 (tripartite motif containing 37; minus strand). Cytogenetic location: 17q22.
Variant type: single nucleotide variant.
Coding change: c.2576+5A>C on transcript NM_015294.6 (MANE Select); 5 bases into the intron after coding-DNA position 2576, A replaced by C.
Molecular consequence: intron variant.
Genome position (GRCh38, 1-based): chr17:59,015,605, T>G on the plus strand (A>C on the coding strand, the complement: TRIM37 is on the minus strand). VCF-style: chr17-59015605-T-G. GRCh37 (hg19) VCF-style: chr17-57092966-T-G.
Other names: c.2576+5A>C (NM_001320989.3, NM_001005207.5, NM_001320988.3 and 1 more transcripts); c.2114+5A>C (NM_001353085.2); c.2474+5A>C (NM_001320987.3, NM_001353082.2); c.2525+5A>C (NM_001353086.2); c.1841+5A>C (NM_001353083.2); c.2210+5A>C (NM_001320990.3).
Identifiers: ClinVar variation 1441687 (VCV001441687.3), dbSNP rs758512943, ClinGen allele CA8678020.

ClinVar aggregate classification (germline): Uncertain significance (1 of 4 stars; one submission).

Allele frequency attached by ClinVar (database versions not stated): gnomAD 0.00002; gnomAD exomes 0.00004 and 0.00009; TOPMed 0.00006; ExAC 0.00009.
gnomAD v4.1: 29 of 1,613,866 alleles (0.0018%); highest among the groups gnomAD compares: Admixed American, 0.047%; no homozygotes.

Submission:

Labcorp Genetics (formerly Invitae), Labcorp
Classification: Uncertain significance. Last evaluated: 2021-12-01. Review status: criteria provided, single submitter. Criteria: Invitae Variant Classification Sherloc (09022015). Collection method: clinical testing. Allele origin: germline.
Comment: This sequence change falls in intron 21 of the TRIM37 gene. It does not directly change the encoded amino acid sequence of the TRIM37 protein. It affects a nucleotide within the consensus splice site. This variant is present in population databases (rs758512943, gnomAD 0.07%). This variant has not been reported in the literature in individuals affected with TRIM37-related conditions. Variants that disrupt the consensus splice site are a relatively common cause of aberrant splicing (PMID: 17576681, 9536098). Experimental studies and prediction algorithms are not available or were not evaluated, and the effect of this variant on mRNA splicing is currently unknown. In summary, the available evidence is currently insufficient to determine the role of this variant in disease. Therefore, it has been classified as a Variant of Uncertain Significance.

Literature cited by the submitters: PubMed 17576681; PubMed 9536098.